The following is an entry in ClinVar:

ClinVar aggregate classification (germline): Uncertain significance (1 of 4 stars; one submission).

Conditions:
Cardiovascular phenotype. Identifiers: MedGen CN230736.

Submission:

Ambry Genetics
Classification: Uncertain significance for Cardiovascular phenotype. Last evaluated: 2025-01-04. Review status: criteria provided, single submitter. Criteria: Ambry Variant Classification Scheme 2023. Collection method: clinical testing. Allele origin: germline.
Comment: The p.Q428K variant (also known as c.1282C>A), located in coding exon 3 of the JPH2 gene, results from a C to A substitution at nucleotide position 1282. The glutamine at codon 428 is replaced by lysine, an amino acid with similar properties. This amino acid position is conserved. In addition, the in silico prediction for this alteration is inconclusive. Based on the available evidence, the clinical significance of this variant remains unclear.

NM_020433.5(JPH2):c.1282C>A (p.Gln428Lys)

Gene: JPH2 (junctophilin 2; minus strand). Cytogenetic location: 20q13.12.
Variant type: single nucleotide variant.
Coding change: c.1282C>A on transcript NM_020433.5 (MANE Select); coding-DNA position 1282, C replaced by A.
Protein change: p.Gln428Lys; replaces glutamine 428 with lysine.
Molecular consequence: missense variant.
Genome position (GRCh38, 1-based): chr20:44,118,511, G>T on the plus strand (C>A on the coding strand, the complement: JPH2 is on the minus strand). VCF-style: chr20-44118511-G-T. GRCh37 (hg19) VCF-style: chr20-42747151-G-T.
Other names: short protein forms Q428K.
Identifiers: ClinVar variation 3862294 (VCV003862294.1).
Genomic context (GRCh38, chr20:44,118,511, plus strand): 5'-GCGCCCACCCTAGGGATAGCCCTACCCTGCCCATCCTTCCCTGGCTGGCCCTACCTGGCT[G>T]GTAGAAGTCCGGAGCCAGCTCCCTGGCCAAAGTGCGAGCAATGTTGGACTCCTGGTTGGC-3'
Protein context (NP_065166.2, residues 418-438): LARELAPDFY[Gln428Lys]PGPEYQKRRL